The following is an entry in ClinVar:

ClinVar aggregate classification (germline): Uncertain significance. Review status: criteria provided, multiple submitters, no conflicts (2 of 4 stars). 2 submissions from 2 submitters: Uncertain significance (2). Last evaluated 2026-05-27.

Conditions:
Inborn genetic diseases. Identifiers: MedGen C0950123, MeSH D030342.
TECTA-related disorder. Also called: TECTA-related condition.

gnomAD v4.1: 41 of 1,613,312 alleles (0.0025%); highest among the groups gnomAD compares: Admixed American, 0.005%; no homozygotes.

Submissions (2):

PreventionGenetics, part of Exact Sciences
Classification: Uncertain significance for TECTA-related condition. Last evaluated: 2026-05-27. Review status: criteria provided, single submitter. Criteria: ACMG Guidelines, 2015. Collection method: clinical testing. Allele origin: germline.
Comment: The TECTA c.46G>A variant is predicted to result in the amino acid substitution p.Ala16Thr. To our knowledge, this variant has not been reported in the literature. This variant is reported in 0.0087% of alleles in individuals of Latino descent in gnomAD. At this time, the clinical significance of this variant is uncertain due to the absence of conclusive functional and genetic evidence.

Ambry Genetics
Classification: Uncertain significance for Inborn genetic diseases. Last evaluated: 2024-06-16. Review status: criteria provided, single submitter. Criteria: Ambry Variant Classification Scheme 2023. Collection method: clinical testing. Allele origin: germline.

NM_005422.4(TECTA):c.46G>A (p.Ala16Thr)

Genes: TBCEL-TECTA (TBCEL-TECTA readthrough; plus strand), TECTA (tectorin alpha; plus strand). Cytogenetic location: 11q23.3.
Variant type: single nucleotide variant.
Coding change: c.46G>A on transcript NM_005422.4 (MANE Select); coding-DNA position 46, G replaced by A.
Protein change: p.Ala16Thr; replaces alanine 16 with threonine.
Molecular consequence: missense variant.
Genome position (GRCh38, 1-based): chr11:121,102,711, G>A. VCF-style: chr11-121102711-G-A. GRCh37 (hg19) VCF-style: chr11-120973420-G-A.
Other names: c.1003G>A, p.Ala335Thr (NM_001378761.1); short protein forms A16T, A335T.
Identifiers: ClinVar variation 3325240 (VCV003325240.2).